The following is an entry in ClinVar:

NM_001852.4(COL9A2):c.1145G>A (p.Gly382Asp)

Gene: COL9A2 (collagen type IX alpha 2 chain; minus strand). Cytogenetic location: 1p34.2.
Variant type: single nucleotide variant.
Coding change: c.1145G>A on transcript NM_001852.4 (MANE Select); coding-DNA position 1145, G replaced by A.
Protein change: p.Gly382Asp; replaces glycine 382 with aspartic acid.
Molecular consequence: missense variant.
Genome position (GRCh38, 1-based): chr1:40,304,810, C>T on the plus strand (G>A on the coding strand, the complement: COL9A2 is on the minus strand). VCF-style: chr1-40304810-C-T. GRCh37 (hg19) VCF-style: chr1-40770482-C-T.
Other names: short protein forms G382D.
Identifiers: ClinVar variation 2859586 (VCV002859586.3), dbSNP rs1431787303, ClinGen allele CA339850928.

ClinVar aggregate classification (germline): Uncertain significance (1 of 4 stars; one submission).

Allele frequency attached by ClinVar (database versions not stated): TOPMed below 0.00001; gnomAD exomes below 0.00001.
gnomAD v4.1: 1 of 1,550,902 alleles (0.000064%); highest among the groups gnomAD compares: African/African-American, 0.0014%; no homozygotes.

Submission:

Labcorp Genetics (formerly Invitae), Labcorp
Classification: Uncertain significance. Last evaluated: 2025-10-15. Review status: criteria provided, single submitter. Criteria: Invitae Variant Classification Sherloc (09022015). Collection method: clinical testing. Allele origin: germline.
Comment: This sequence change replaces glycine, which is neutral and non-polar, with aspartic acid, which is acidic and polar, at codon 382 of the COL9A2 protein (p.Gly382Asp). This variant is not present in population databases (gnomAD no frequency). This variant has not been reported in the literature in individuals affected with COL9A2-related conditions. ClinVar contains an entry for this variant (Variation ID: 2859586). Invitae Evidence Modeling of protein sequence and biophysical properties (such as structural, functional, and spatial information, amino acid conservation, physicochemical variation, residue mobility, and thermodynamic stability) indicates that this missense variant is expected to disrupt COL9A2 protein function with a positive predictive value of 95%. In summary, the available evidence is currently insufficient to determine the role of this variant in disease. Therefore, it has been classified as a Variant of Uncertain Significance.